The following is an entry in ClinVar:

NM_002734.5(PRKAR1A):c.-9C>G

Gene: PRKAR1A (protein kinase cAMP-dependent type I regulatory subunit alpha; plus strand). Cytogenetic location: 17q24.2.
Variant type: single nucleotide variant.
Coding change: c.-9C>G on transcript NM_002734.5 (MANE Select); 9 bases upstream of the start codon, C replaced by G.
Molecular consequence: 5 prime UTR variant. On other transcripts: intron variant (3).
Genome position (GRCh38, 1-based): chr17:68,512,546, C>G. VCF-style: chr17-68512546-C-G. GRCh37 (hg19) VCF-style: chr17-66508687-C-G.
Other names: c.-142C>G (NM_001276289.2); c.-40C>G (NM_212472.2); c.-6-2848C>G (NM_001278433.2); c.-140+404C>G (NM_001369389.1); c.-7+404C>G (NM_212471.3).
Identifiers: ClinVar variation 856677 (VCV000856677.6), dbSNP rs1441025170, ClinGen allele CA627203494.

ClinVar aggregate classification (germline): Uncertain significance (1 of 4 stars; one submission).

Conditions:
Carney complex, type 1 (CNC1). Also called: CARNEY MYXOMA-ENDOCRINE COMPLEX; CARNEY COMPLEX, TYPE I. Identifiers: Orphanet 1359, MedGen C2607929, MONDO:0008057, OMIM 160980.

Allele frequency attached by ClinVar (database versions not stated): TOPMed below 0.00001; gnomAD 0.00003.
gnomAD v4.1: 4 of 154,772 alleles (0.0026%); highest among the groups gnomAD compares: South Asian, 0.08%; 2 homozygotes.

Submission:

Labcorp Genetics (formerly Invitae), Labcorp
Classification: Uncertain significance for Carney complex, type 1. Last evaluated: 2024-12-02. Review status: criteria provided, single submitter. Criteria: Invitae Variant Classification Sherloc (09022015). Collection method: clinical testing. Allele origin: germline.
Comment: This variant occurs in a non-coding region of the PRKAR1A gene. It does not change the encoded amino acid sequence of the PRKAR1A protein. This variant is present in population databases (no rsID available, gnomAD no frequency). This variant has not been reported in the literature in individuals affected with PRKAR1A-related conditions. ClinVar contains an entry for this variant (Variation ID: 856677). Experimental studies and prediction algorithms are not available or were not evaluated, and the functional significance of this variant is currently unknown. In summary, the available evidence is currently insufficient to determine the role of this variant in disease. Therefore, it has been classified as a Variant of Uncertain Significance.